The following is an entry in ClinVar:

ClinVar aggregate classification (germline): Pathogenic (1 of 4 stars; one submission).

Conditions:
Gaze palsy, familial horizontal, with progressive scoliosis, 2. Also called: GAZE PALSY, FAMILIAL HORIZONTAL, WITH PROGRESSIVE SCOLIOSIS 2, WITH IMPAIRED INTELLECTUAL DEVELOPMENT; DEVELOPMENTAL SPLIT-BRAIN SYNDROME. Identifiers: MedGen C4479640, MONDO:0054602, OMIM 617542.

Submission:

Variantyx, Inc.
Classification: Pathogenic for Gaze palsy, familial horizontal, with progressive scoliosis, 2. Last evaluated: 2025-11-25. Review status: criteria provided, single submitter. Criteria: Variantyx Assertion Criteria 2022. Collection method: clinical testing. Allele origin: germline. Inheritance: Autosomal recessive inheritance. Affected: yes.
Comment: This is a frameshift variant in the DCC gene (OMIM: 120470). Pathogenic variants in this gene have been associated with autosomal recessive familial horizontal gaze palsy with progressive scoliosis 2. This variant introduces a premature termination codon in exon 27 out of 29 and is expected to result in loss of function, which is a known disease mechanism for DCC in this disorder (PMID: 28250456) (PVS1). This variant has not been reported in individuals with DCC-related disorders in the databases available for review. Based on the current evidence, this variant is classified as pathogenic for autosomal recessive familial horizontal gaze palsy with progressive scoliosis 2.

Literature cited by the submitters: PubMed 28250456.

NM_005215.4(DCC):c.3944del (p.Pro1315fs)

Gene: DCC (DCC netrin 1 receptor; plus strand). Cytogenetic location: 18q21.2.
Variant type: Deletion.
Coding change: c.3944del on transcript NM_005215.4 (MANE Select); coding-DNA position 3944, one base deleted (C; older notation c.3944delC).
Protein change: p.Pro1315fs; shifts the reading frame from proline 1315.
Molecular consequence: frameshift variant.
Genome position (GRCh38, 1-based): chr18:53,499,343, C deleted; the last of 5 consecutive C bases (chr18:53,499,339-53,499,343); deleting any one gives the same sequence. VCF-style (leftmost placement, unchanged base first): chr18-53499338-GC-G. GRCh37 (hg19) VCF-style: chr18-51025708-GC-G.
Other names: short protein forms P1315fs.
Identifiers: ClinVar variation 4850760 (VCV004850760.1).
Genomic context (GRCh38, chr18:53,499,338, plus strand): 5'-TTTTCTTGTCTCCACTGCAGCAGTGAGTGAAGGACCAACTACCCAACAACCACCTATGCT[GC>G]CCCCATCTCAGCCTGAGCATTCTAGCAGCGAGGAGGCACCAAGCAGAACCATCCCCACAG-3'